The following is an entry in ClinVar:

ClinVar aggregate classification (germline): Uncertain significance. Review status: criteria provided, multiple submitters, no conflicts (2 of 4 stars). 2 submissions from 2 submitters: Uncertain significance (2). Last evaluated 2026-04-27.

Conditions:
Arrhythmogenic right ventricular dysplasia 5. Also called: Arrhythmogenic Right Ventricular Dysplasia/Cardiomyopathy 5; ARRHYTHMOGENIC RIGHT VENTRICULAR DYSPLASIA, FAMILIAL, 5. Identifiers: MedGen C1858379, MONDO:0011459, OMIM 604400.

Allele frequency attached by ClinVar (database versions not stated): gnomAD exomes below 0.00001; TOPMed below 0.00001.
gnomAD v4.1: 1 of 1,613,616 alleles (0.000062%); highest among the groups gnomAD compares: African/African-American, 0.0013%; no homozygotes.

Submissions (2):

Women's Health and Genetics/Laboratory Corporation of America, LabCorp
Classification: Uncertain significance. Last evaluated: 2026-04-27. Review status: criteria provided, single submitter. Criteria: LabCorp Variant Classification Summary - May 2015. Collection method: clinical testing. Allele origin: germline.

Labcorp Genetics (formerly Invitae), Labcorp
Classification: Uncertain significance for Arrhythmogenic right ventricular dysplasia 5. Last evaluated: 2023-06-27. Review status: criteria provided, single submitter. Criteria: Invitae Variant Classification Sherloc (09022015). Collection method: clinical testing. Allele origin: germline.
Comment: In summary, the available evidence is currently insufficient to determine the role of this variant in disease. Therefore, it has been classified as a Variant of Uncertain Significance. Advanced modeling of protein sequence and biophysical properties (such as structural, functional, and spatial information, amino acid conservation, physicochemical variation, residue mobility, and thermodynamic stability) performed at Invitae indicates that this missense variant is not expected to disrupt TMEM43 protein function. This variant has not been reported in the literature in individuals affected with TMEM43-related conditions. This variant is present in population databases (no rsID available, gnomAD 0.007%). This sequence change replaces lysine, which is basic and polar, with glutamic acid, which is acidic and polar, at codon 168 of the TMEM43 protein (p.Lys168Glu).

NM_024334.3(TMEM43):c.502A>G (p.Lys168Glu)

Gene: TMEM43 (transmembrane protein 43; plus strand). Cytogenetic location: 3p25.1.
Variant type: single nucleotide variant.
Coding change: c.502A>G on transcript NM_024334.3 (MANE Select); coding-DNA position 502, A replaced by G.
Protein change: p.Lys168Glu; replaces lysine 168 with glutamic acid.
Molecular consequence: missense variant.
Genome position (GRCh38, 1-based): chr3:14,132,925, A>G. VCF-style: chr3-14132925-A-G. GRCh37 (hg19) VCF-style: chr3-14174425-A-G.
Other names: c.505A>G, p.Lys169Glu (NM_001407274.1); c.502A>G, p.Lys168Glu (NM_001407275.1, NM_001407276.1, NM_001407277.1 and 1 more transcripts); c.487A>G, p.Lys163Glu (NM_001407278.1); c.352A>G, p.Lys118Glu (NM_001407280.1); short protein forms K118E, K168E, K163E, K169E.
Identifiers: ClinVar variation 2730838 (VCV002730838.4), dbSNP rs1213690461, ClinGen allele CA351535230.
Genomic context (GRCh38, chr3:14,132,925, plus strand): 5'-GACACTGAATGGAGGTCAGAAATCATCAACAGCAAAAACTTCGACCGAGAGATTGGCCAC[A>G]AAAACCCCAGGTGAGAGCCAGGCCCAAGGCCTGAGTGCAGCTTTGTCTACACTGGCAGGT-3'
Protein context (NP_077310.1, residues 158-178): SKNFDREIGH[Lys168Glu]NPSAMAVESF